The following is an entry in ClinVar:

ClinVar aggregate classification (germline): Likely benign (1 of 4 stars; one submission).

Allele frequency attached by ClinVar (database versions not stated): ESP Exome Variant Server 0.00046; 1000 Genomes Project 30x 0.00156; 1000 Genomes Project 0.00160.

Submission:

CeGaT Center for Human Genetics Tuebingen
Classification: Likely benign. Last evaluated: 2022-10-01. Review status: criteria provided, single submitter. Criteria: CeGaT Center For Human Genetics Tuebingen Variant Classification Criteria Version 2. Collection method: clinical testing. Allele origin: germline. Affected: yes. Observed: 1 variant allele.
Comment: KRT34: BP4, BP7

NM_001386014.1(KRT34):c.1116C>T (p.Cys372=)

Gene: KRT34 (keratin 34). Cytogenetic location: 17q21.2.
Variant type: single nucleotide variant.
Coding change: c.1116C>T on transcript NM_001386014.1 (MANE Select); coding-DNA position 1116, C replaced by T.
Protein change: p.Cys372=; no amino-acid change (cysteine 372 retained).
Molecular consequence: synonymous variant.
Genome position (GRCh38, 1-based): chr17:41,378,128, G>A on the plus strand (C>T on the coding strand, the complement: KRT34 is on the minus strand). VCF-style: chr17-41378128-G-A. GRCh37 (hg19) VCF-style: chr17-39534380-G-A.
Identifiers: ClinVar variation 2647765 (VCV002647765.24), dbSNP rs138365209, ClinGen allele CA8556937.